The following is an entry in ClinVar:

ClinVar aggregate classification (germline): Uncertain significance (1 of 4 stars; one submission).

Submission:

Labcorp Genetics (formerly Invitae), Labcorp
Classification: Uncertain significance. Last evaluated: 2019-11-25. Review status: criteria provided, single submitter. Criteria: Invitae Variant Classification Sherloc (09022015). Collection method: clinical testing. Allele origin: germline.
Comment: In summary, the available evidence is currently insufficient to determine the role of this variant in disease. Therefore, it has been classified as a Variant of Uncertain Significance. This sequence change replaces aspartic acid with glycine at codon 143 of the MSH3 protein (p.Asp143Gly). The aspartic acid residue is moderately conserved and there is a moderate physicochemical difference between aspartic acid and glycine. This variant is not present in population databases (ExAC no frequency). This variant has not been reported in the literature in individuals with MSH3-related conditions. Algorithms developed to predict the effect of missense changes on protein structure and function are either unavailable or do not agree on the potential impact of this missense change (SIFT: "Deleterious"; PolyPhen-2: "Benign"; Align-GVGD: "Class C0").

NM_002439.5(MSH3):c.428A>G (p.Asp143Gly)

Gene: MSH3 (mutS homolog 3; plus strand). Cytogenetic location: 5q14.1.
Variant type: single nucleotide variant.
Coding change: c.428A>G on transcript NM_002439.5 (MANE Select); coding-DNA position 428, A replaced by G.
Protein change: p.Asp143Gly; replaces aspartic acid 143 with glycine.
Molecular consequence: missense variant.
Genome position (GRCh38, 1-based): chr5:80,665,212, A>G. VCF-style: chr5-80665212-A-G. GRCh37 (hg19) VCF-style: chr5-79961031-A-G.
Other names: short protein forms D143G.
Identifiers: ClinVar variation 846232 (VCV000846232.9), dbSNP rs1749541832, ClinGen allele CA360263354.